The following is an entry in ClinVar:

NM_022773.4(LMF1):c.*174C>A

Gene: LMF1 (lipase maturation factor 1; minus strand). Cytogenetic location: 16p13.3.
Variant type: single nucleotide variant.
Coding change: c.*174C>A on transcript NM_022773.4 (MANE Select); 174 bases downstream of the stop codon, C replaced by A.
Molecular consequence: 3 prime UTR variant. On other transcripts: non-coding transcript variant (1).
Genome position (GRCh38, 1-based): chr16:854,358, G>T on the plus strand (C>A on the coding strand, the complement: LMF1 is on the minus strand). VCF-style: chr16-854358-G-T. GRCh37 (hg19) VCF-style: chr16-904358-G-T.
Other names: c.*174C>A (NM_001352017.2, NM_001352018.2, NM_001352019.2 and 1 more transcripts); c.*157C>A (NM_001352020.1).
Identifiers: ClinVar variation 2446602 (VCV002446602.1), dbSNP rs78699640, ClinGen allele CA7796793.
Genomic context (GRCh38, chr16:854,358, plus strand): 5'-GGCGCCTGGGACAAGGGTTGGCCTGGATGTGGGGCCCCAGGTGGGCAGGGCCTGGGAGCC[G>T]CCACAGTATGTGACAACAGACCCCACCCTGGACCCCCGTGCTGGGGGCTGGGTCCCACCG-3'

ClinVar aggregate classification (germline): Likely benign (1 of 4 stars; one submission).

Allele frequency attached by ClinVar (database versions not stated): 1000 Genomes Project 0.00879; 1000 Genomes Project 30x 0.00984.
gnomAD v4.1: 2,126 of 774,922 alleles (0.27%); highest among the groups gnomAD compares: African/African-American, 3.1%; 36 homozygotes.

Submission:

GeneDx
Classification: Likely benign. Last evaluated: 2019-04-21. Review status: criteria provided, single submitter. Criteria: GeneDx Variant Classification Process June 2021. Collection method: clinical testing. Allele origin: germline. Affected: yes.
Comment: See Variant Classification Assertion Criteria.